The following continues an entry in ClinVar:

NM_004333.6(BRAF):c.722C>T (p.Thr241Met)

Gene: BRAF. ClinVar aggregate classification (germline): Pathogenic/Likely pathogenic. Pathogenic (14); Likely pathogenic (1).

Submissions 10 to 20 of 20:

New York Genome Center
Classification: Pathogenic for Noonan syndrome 7. Last evaluated: 2021-01-29. Review status: criteria provided, single submitter. Criteria: NYGC Assertion Criteria 2020. Collection method: clinical testing. Allele origin: germline. Observed: 1 heterozygote. Study: CSER-NYCKidSeq.
Comment: The heterozygousc.722C>T (p.Thr241Met) variant identified in the BRAF gene has been reported in multiple individuals affected with Noonan, LEOPARD, and Cardio-facio-cutaneous syndromes (PMID: 19206169,32369273). The p.Thr241Met variant has also been reported in anindividual affected with moderate intellectual disability and generalized epilepsy (PMID:30525188). This variant has been reported as heterozygous in one out of 152,100 individuals in the gnomAD(v3) database suggesting it is extremely rare in the populations represented in gnomAD. The variant affects an evolutionary conserved residue and is predicted deleterious by multiple in silico prediction tools. The variant is reported in the ClinVar database as pathogenic/likely pathogenic by multiple independent laboratories (ClinVarID: 29805). A different missense variant affecting the same residue Thr241 has also been reported in individuals affected with Cardio-facio-cutaneous syndrome suggesting that p.Thr241is important for the normalprotein function. Based on the available evidence, the heterozygousc.722C>T (p.Thr241Met) variant identified in the BRAF gene is reported here as Pathogenic.

Baylor Genetics
Classification: Pathogenic for Cardiofaciocutaneous syndrome 1. Last evaluated: 2019-03-22. Review status: criteria provided, single submitter. Criteria: ACMG Guidelines, 2015. Collection method: clinical testing. Allele origin: de novo. Affected: yes.
Comment: This variant was determined to be pathogenic according to ACMG Guidelines, 2015 [PMID:25741868]. This variant has been previously reported in one patient with Noonan syndrome [PMID 19206169] Muscle weakness and peripheral neuropathy have been reported in individuals with CFC1 [PMID 16007634, 17437909, 22907230]

SIB Swiss Institute of Bioinformatics
Classification: Likely pathogenic for Noonan syndrome 7. Last evaluated: 2018-05-31. Review status: criteria provided, single submitter. Criteria: ACMG Guidelines, 2015. Collection method: curation. Allele origin: unknown.
Comment: This variant is interpreted as a Likely Pathogenic, for Noonan syndrome 7, in Autosomal Dominant manner. The following ACMG Tag(s) were applied: PP3 => Multiple lines of computational evidence support a deleterious effect on the gene or gene product. PM2 => Absent from controls (or at extremely low frequency if recessive) in Exome Sequencing Project, 1000 Genomes Project, or Exome Aggregation Consortium. PM6 => Assumed de novo, but without confirmation of paternity and maternity (PMID:19206169). PM5 => Novel missense change at an amino acid residue where a different missense change determined to be pathogenic has been seen before.

Laboratory for Molecular Medicine, Mass General Brigham Personalized Medicine
Classification: Pathogenic for Noonan syndrome. Last evaluated: 2017-11-02. Review status: criteria provided, single submitter. Criteria: LMM Criteria. Collection method: clinical testing. Allele origin: germline. Observed: 2 variant alleles.
Comment: The p.Thr241Met variant in BRAF has been previously reported in 3 individuals wi th clinical features of Noonan syndrome, including 2 de novo occurrences (LMM da ta, Sarkozy 2009, ClinVar Variation ID 29805). It has also been identified in 1/ 124756 European chromosomes by the Genome Aggregation Database (gnomAD; dbSNP rs387906660). Furthermore, 3 other missense vari ants at position p.241 (p.Thr241Arg, p.Thr241Pro, p.Thr241Lys) have been identif ied in individuals with clinical features of Noonan syndrome, Cardio-facio-cutan eous syndrome, LEOPARD, or Costello syndrome (Sarkozy 2009, LMM data), suggestin g that changes at this position are not tolerated. In summary, the p.Thr241Met v ariant meets criteria to be classified as pathogenic for Noonan syndrome in an a utosomal dominant manner. ACMG/AMP Criteria applied: PM5_Strong; PM6_Strong; PM2 ; PP2.

Fulgent Genetics
Classification: Pathogenic for Cardiofaciocutaneous syndrome 1; Noonan syndrome 1; Lung cancer; Noonan syndrome 7; LEOPARD syndrome 3. Last evaluated: 2017-05-18. Review status: criteria provided, single submitter. Criteria: ACMG Guidelines, 2015. Collection method: clinical testing. Allele origin: unknown.

Juno Genomics, Hangzhou Juno Genomics, Inc
Classification: Pathogenic for Cardiofaciocutaneous syndrome 1. Review status: criteria provided, single submitter. Criteria: ACMG Guidelines, 2015. Collection method: clinical testing. Allele origin: germline. Affected: yes.
Comment: Missense variant in a gene that has a low rate of benign missense variation.;Multiple lines of computational evidence support a deleterious effect on the gene or gene product.;The prevalence of the variant in affected individuals is significantly increased compared to the prevalence in controls.;Assumed de novo, but without confirmation of paternity and maternity.

OMIM
Classification: Pathogenic for NOONAN SYNDROME 7. Last evaluated: 2009-04-01. Review status: no assertion criteria provided. Collection method: literature only. Allele origin: germline. Not counted in ClinVar's aggregate classification.

Division of Human Genetics, National Health Laboratory Service/University of the Witwatersrand
Classification: Pathogenic for Noonan syndrome 1. Review status: no assertion criteria provided. Collection method: research. Allele origin: unknown. Affected: yes. Observed: 1 variant allele. Not counted in ClinVar's aggregate classification.

GeneReviews
No classification provided. Condition: Noonan syndrome 1. Review status: no classification provided. Collection method: literature only. Allele origin: germline. Affected: yes. Not counted in ClinVar's aggregate classification.

Genome Diagnostics Laboratory, Amsterdam University Medical Center
Classification: Pathogenic. Review status: no assertion criteria provided. Collection method: clinical testing. Allele origin: germline. Affected: yes. Study: VKGL Data-share Consensus. Not counted in ClinVar's aggregate classification.

Joint Genome Diagnostic Labs from Nijmegen and Maastricht, Radboudumc and MUMC+
Classification: Pathogenic. Review status: no assertion criteria provided. Collection method: clinical testing. Allele origin: germline. Affected: yes. Study: VKGL Data-share Consensus. Not counted in ClinVar's aggregate classification.

Literature cited by the submitters: PubMed 29493581 (cited by 3billion); PubMed 19206169 (cited by 7 submitters); PubMed 17704260 (cited by 3billion and Labcorp Genetics (formerly Invitae), Labcorp); PubMed 28991257 (cited by Women's Health and Genetics/Laboratory Corporation of America, LabCorp); PubMed 33644862 (cited by Women's Health and Genetics/Laboratory Corporation of America, LabCorp); PubMed 32368696 (cited by Women's Health and Genetics/Laboratory Corporation of America, LabCorp); PubMed 33040082 (cited by Women's Health and Genetics/Laboratory Corporation of America, LabCorp); PubMed 30414707 (cited by Women's Health and Genetics/Laboratory Corporation of America, LabCorp); PubMed 18042262 (cited by Labcorp Genetics (formerly Invitae), Labcorp); PubMed 23950000 (cited by Labcorp Genetics (formerly Invitae), Labcorp); PubMed 16007634 (cited by Baylor Genetics); PubMed 17437909 (cited by Baylor Genetics); PubMed 22907230 (cited by Baylor Genetics); PubMed 24803665 (cited by Laboratory for Molecular Medicine, Mass General Brigham Personalized Medicine); NCBI Bookshelf NBK1124 (cited by GeneReviews).